The following is an entry in ClinVar:

NM_007315.4(STAT1):c.604A>G (p.Met202Val)

Gene: STAT1 (signal transducer and activator of transcription 1; minus strand). Cytogenetic location: 2q32.2.
Variant type: single nucleotide variant.
Coding change: c.604A>G on transcript NM_007315.4 (MANE Select); coding-DNA position 604, A replaced by G.
Protein change: p.Met202Val; replaces methionine 202 with valine.
Molecular consequence: missense variant. On other transcripts: intron variant (1).
Genome position (GRCh38, 1-based): chr2:190,998,246, T>C on the plus strand (A>G on the coding strand, the complement: STAT1 is on the minus strand). VCF-style: chr2-190998246-T-C. GRCh37 (hg19) VCF-style: chr2-191862972-T-C.
Other names: c.604A>G, p.Met202Val (NM_001384880.1, NM_001384882.1, NM_001384885.1 and 5 more transcripts); c.610A>G, p.Met204Val (NM_001384881.1, NM_001384884.1); c.514A>G, p.Met172Val (NM_001384890.1); c.640A>G, p.Met214Val (NM_001384891.1); c.535-239A>G (NM_001384883.1); short protein forms M202V, M172V, M204V, M214V.
Identifiers: ClinVar variation 30087 (VCV000030087.9), dbSNP rs387906762, ClinGen allele CA128932.

ClinVar aggregate classification (germline): Pathogenic. Review status: criteria provided, single submitter (1 of 4 stars). 2 submissions from 2 submitters: Pathogenic (1). 1 of the submissions does not count toward it. Last evaluated 2024-07-24.

Conditions:
Immunodeficiency 31B. Also called: IMMUNODEFICIENCY 31B, MYCOBACTERIAL AND VIRAL INFECTIONS, AUTOSOMAL RECESSIVE; STAT1 DEFICIENCY, AUTOSOMAL RECESSIVE. Identifiers: Orphanet 391311, MedGen C3151088, MONDO:0013427, OMIM 613796.
Mendelian susceptibility to mycobacterial diseases due to partial STAT1 deficiency. Also called: IMMUNODEFICIENCY 31A, MYCOBACTERIOSIS, AUTOSOMAL DOMINANT; STAT1 DEFICIENCY, AUTOSOMAL DOMINANT; Immunodeficiency 31a. Identifiers: Orphanet 319595, MedGen C4013950, MONDO:0013956, OMIM 614892.
Autoimmune enteropathy and endocrinopathy - susceptibility to chronic infections syndrome. Also called: Immunodeficiency 31C, autosomal dominant; Immunodeficiency 31C. Identifiers: Orphanet 391487, MedGen C3279990, MONDO:0013599, OMIM 614162.

Submissions (2):

Labcorp Genetics (formerly Invitae), Labcorp
Classification: Pathogenic for Mendelian susceptibility to mycobacterial diseases due to partial STAT1 deficiency; Immunodeficiency 31B; Autoimmune enteropathy and endocrinopathy - susceptibility to chronic infections syndrome. Last evaluated: 2024-07-24. Review status: criteria provided, single submitter. Criteria: Invitae Variant Classification Sherloc (09022015). Collection method: clinical testing. Allele origin: germline.
Comment: This sequence change replaces methionine, which is neutral and non-polar, with valine, which is neutral and non-polar, at codon 202 of the STAT1 protein (p.Met202Val). This variant is not present in population databases (gnomAD no frequency). This missense change has been observed in individuals with autosomal dominant chronic mucocutaneous candidiasis or cutaneous fusariosis (PMID: 21727188, 23245795, 24343863, 26604104). It has also been observed to segregate with disease in related individuals. ClinVar contains an entry for this variant (Variation ID: 30087). An algorithm developed to predict the effect of missense changes on protein structure and function (PolyPhen-2) suggests that this variant is likely to be disruptive. Experimental studies have shown that this missense change affects STAT1 function (PMID: 21727188). For these reasons, this variant has been classified as Pathogenic.

OMIM
Classification: Pathogenic for IMMUNODEFICIENCY 31C. Last evaluated: 2011-08-01. Review status: no assertion criteria provided. Collection method: literature only. Allele origin: germline. Not counted in ClinVar's aggregate classification.

Literature cited by the submitters: PubMed 21727188 (cited by Labcorp Genetics (formerly Invitae), Labcorp and OMIM); PubMed 23245795 (cited by Labcorp Genetics (formerly Invitae), Labcorp); PubMed 24343863 (cited by Labcorp Genetics (formerly Invitae), Labcorp); PubMed 26604104 (cited by Labcorp Genetics (formerly Invitae), Labcorp).